The following is an entry in ClinVar:

ClinVar aggregate classification (germline): Benign/Likely benign. Review status: criteria provided, multiple submitters, no conflicts (2 of 4 stars). 8 submissions from 8 submitters: Benign (6); Likely benign (2). Last evaluated 2026-01-26.

Conditions:
Neutropenia, severe congenital, 2, autosomal dominant. Identifiers: Orphanet 486, MedGen C2751288, MONDO:0013139, OMIM 613107.

Submissions (8):

Labcorp Genetics (formerly Invitae), Labcorp
Classification: Benign for Neutropenia, severe congenital, 2, autosomal dominant. Last evaluated: 2026-01-26. Review status: criteria provided, single submitter. Criteria: Invitae Variant Classification Sherloc (09022015). Collection method: clinical testing. Allele origin: germline.

Women's Health and Genetics/Laboratory Corporation of America, LabCorp
Classification: Benign. Last evaluated: 2026-01-22. Review status: criteria provided, single submitter. Criteria: LabCorp Variant Classification Summary - May 2015. Collection method: clinical testing. Allele origin: germline.
Comment: Variant summary: GFI1 c.925-8_925-5dupCTCT located at a position not widely known to affect splicing. Consensus agreement among computation tools predicts no significant impact on normal splicing. However, these predictions have yet to be confirmed by functional studies. The variant allele was found at a frequency of 0.11 in 1460178 control chromosomes in the gnomAD database, including 452 homozygotes. The observed variant frequency exceeds the estimated maximal expected allele frequency for disease-causing variants in GFI1. To our knowledge, no occurrence of c.925-8_925-5dupCTCT in individuals affected with GFI1-related conditions and no experimental evidence demonstrating its impact on protein function have been reported. ClinVar contains an entry for this variant (Variation ID: 298179). Based on the evidence outlined above, the variant was classified as benign.

Laboratory of Genetics, Children's Clinical University Hospital Latvia
Classification: Likely benign. Last evaluated: 2025-02-16. Review status: criteria provided, single submitter. Criteria: ACMG Guidelines, 2015. Collection method: clinical testing. Allele origin: germline. Affected: yes.

Genomic Medicine Center of Excellence, King Faisal Specialist Hospital and Research Centre
Classification: Benign for Neutropenia, severe congenital, 2, autosomal dominant. Last evaluated: 2024-12-18. Review status: criteria provided, single submitter. Criteria: ACMG Guidelines, 2015. Collection method: clinical testing. Allele origin: germline.

Blueprint Genetics
Classification: Likely benign. Last evaluated: 2024-11-26. Review status: criteria provided, single submitter. Criteria: ACMG Guidelines, 2015. Collection method: clinical testing. Allele origin: germline.

Mayo Clinic Laboratories, Mayo Clinic
Classification: Benign. Last evaluated: 2022-09-06. Review status: criteria provided, single submitter. Criteria: ACMG Guidelines, 2015. Collection method: clinical testing. Allele origin: germline. Observed: 139 variant alleles.

GeneDx
Classification: Benign. Last evaluated: 2021-05-05. Review status: criteria provided, single submitter. Criteria: GeneDx Variant Classification Process June 2021. Collection method: clinical testing. Allele origin: germline. Affected: yes.

Laboratory for Molecular Medicine, Mass General Brigham Personalized Medicine
Classification: Benign. Last evaluated: 2016-03-29. Review status: criteria provided, single submitter. Criteria: LMM Criteria. Collection method: clinical testing. Allele origin: germline.
Comment: Variant identified in a genome or exome case(s) and assessed due to predicted null impact of the variant or pathogenic assertions in the literature or databases. Disclaimer: This variant has not undergone full assessment. The following are preliminary notes: Frequency

NM_005263.5(GFI1):c.925-40CT[20]

Gene: GFI1 (growth factor independent 1 transcriptional repressor; minus strand). Cytogenetic location: 1p22.1.
Variant type: Microsatellite.
Coding change: c.925-40CT[20] on transcript NM_005263.5 (MANE Select); 20 copies in a row of the 2-base unit CT starting at c.925-40; the reference has 18 copies in a row; two copies, 4 bases duplicated.
Molecular consequence: intron variant.
Genome position (GRCh38, 1-based): chr1:92,478,758-92,478,761, AGAG duplicated on the plus strand (CTCT on the coding strand, the reverse complement: GFI1 is on the minus strand); duplicating any 4 consecutive bases within chr1:92,478,758-92,478,794 gives the same sequence; the position shown is the placement nearest the transcript's 3' end. VCF-style (leftmost placement, unchanged base first): chr1-92478757-C-CAGAG. GRCh37 (hg19) VCF-style: chr1-92944314-C-CAGAG.
Other names: p.?; c.925-40CT[20] (NM_001127216.3, NM_001127215.3); c.925-8_925-5dup (NM_005263.5, NM_001127216.2); c.925-8_925-5dupCTCT (NM_005263.5).
Identifiers: ClinVar variation 298179 (VCV000298179.23), dbSNP rs35896485, ClinGen allele CA951273.
Genomic context (GRCh38, chr1:92,478,757, plus strand): 5'-CAGTGTGGATGACCTCTTGAAGCTCTTCCCACAGATCTTACAGTCAAAGCTCCGTTCCTG[C>CAGAG]AGAGAGAGAGAGAGAGAGAGAGAGAGAGAGAGAGAGATGCAGAACTCCTACTGCAGTCAA-3'